The following is an entry in ClinVar:

NM_001130009.3(GEN1):c.2587G>A (p.Glu863Lys)

Gene: GEN1 (GEN1 structure-specific endonuclease; plus strand). Cytogenetic location: 2p24.2.
Variant type: single nucleotide variant.
Coding change: c.2587G>A on transcript NM_001130009.3 (MANE Select); coding-DNA position 2587, G replaced by A.
Protein change: p.Glu863Lys; replaces glutamic acid 863 with lysine.
Molecular consequence: missense variant.
Genome position (GRCh38, 1-based): chr2:17,781,799, G>A. VCF-style: chr2-17781799-G-A. GRCh37 (hg19) VCF-style: chr2-17963066-G-A.
Other names: c.2587G>A, p.Glu863Lys (NM_182625.5); short protein forms E863K.
Identifiers: ClinVar variation 3608480 (VCV003608480.2).
Genomic context (GRCh38, chr2:17,781,799, plus strand): 5'-CCTAAGATACATATTAAAGAAACTGAACAGTGTGTCAGATCTTATGAAACAGCTGAAAAT[G>A]AAGAAAGCTGTTTCCCAGATTCAACAAAAAGTTCTCTGAGTTCTCTACAATGTCATAAGA-3'
Protein context (NP_001123481.3, residues 853-873): CVRSYETAEN[Glu863Lys]ESCFPDSTKS

ClinVar aggregate classification (germline): Uncertain significance (1 of 4 stars; one submission).

gnomAD v4.1: 1 of 1,609,716 alleles (0.000062%); highest among the groups gnomAD compares: Non-Finnish European, 0.000085%; no homozygotes.

Submission:

Labcorp Genetics (formerly Invitae), Labcorp
Classification: Uncertain significance. Last evaluated: 2024-05-18. Review status: criteria provided, single submitter. Criteria: Invitae Variant Classification Sherloc (09022015). Collection method: clinical testing. Allele origin: germline.
Comment: This sequence change replaces glutamic acid, which is acidic and polar, with lysine, which is basic and polar, at codon 863 of the GEN1 protein (p.Glu863Lys). This variant is not present in population databases (gnomAD no frequency). This variant has not been reported in the literature in individuals affected with GEN1-related conditions. An algorithm developed to predict the effect of missense changes on protein structure and function (PolyPhen-2) suggests that this variant is likely to be tolerated. In summary, the available evidence is currently insufficient to determine the role of this variant in disease. Therefore, it has been classified as a Variant of Uncertain Significance.